The following is an entry in ClinVar:

NM_006231.4(POLE):c.4031T>C (p.Leu1344Pro)

Gene: POLE (DNA polymerase epsilon, catalytic subunit; minus strand). Cytogenetic location: 12q24.33.
Variant type: single nucleotide variant.
Coding change: c.4031T>C on transcript NM_006231.4 (MANE Select); coding-DNA position 4031, T replaced by C.
Protein change: p.Leu1344Pro; replaces leucine 1344 with proline.
Molecular consequence: missense variant.
Genome position (GRCh38, 1-based): chr12:132,649,047, A>G on the plus strand (T>C on the coding strand, the complement: POLE is on the minus strand). VCF-style: chr12-132649047-A-G. GRCh37 (hg19) VCF-style: chr12-133225633-A-G.
Other names: short protein forms L1344P.
Identifiers: ClinVar variation 405826 (VCV000405826.15), dbSNP rs368111350, ClinGen allele CA16613655.

ClinVar aggregate classification (germline): Uncertain significance. Review status: criteria provided, multiple submitters, no conflicts (2 of 4 stars). 4 submissions from 4 submitters: Uncertain significance (4). Last evaluated 2025-12-29.

Conditions:
Facial dysmorphism-immunodeficiency-livedo-short stature syndrome. Also called: Facial dysmorphism, immunodeficiency, livedo, and short stature; FILS syndrome. Identifiers: Orphanet 352712, MedGen C3554576, MONDO:0014058, OMIM 615139.
Colorectal cancer, susceptibility to, 12 (CRCS12). Also called: COLORECTAL CANCER, SUSCEPTIBILITY TO, ON CHROMOSOME 12q24. Identifiers: Orphanet 220460, MedGen C3554460, MONDO:0014038, OMIM 615083.
Intrauterine growth retardation, metaphyseal dysplasia, adrenal hypoplasia congenita, genital anomalies, and immunodeficiency. Also called: IMAGEI SYNDROME. Identifiers: MedGen C5193036, MONDO:0032684, OMIM 618336.
Hereditary cancer-predisposing syndrome. Also called: Hereditary Cancer Syndrome; Hereditary neoplastic syndrome; Neoplastic Syndromes, Hereditary; Tumor predisposition. Identifiers: Orphanet 140162, MedGen C0027672, MeSH D009386, MONDO:0015356.

Allele frequency attached by ClinVar (database versions not stated): ESP Exome Variant Server 0.00008.

Submissions (4):

Center for Genomic Medicine, Rigshospitalet, Copenhagen University Hospital
Classification: Uncertain significance. Last evaluated: 2025-12-29. Review status: criteria provided, single submitter. Criteria: ACMG Guidelines, 2015. Collection method: clinical testing. Allele origin: germline.

Labcorp Genetics (formerly Invitae), Labcorp
Classification: Uncertain significance. Last evaluated: 2025-06-11. Review status: criteria provided, single submitter. Criteria: Invitae Variant Classification Sherloc (09022015). Collection method: clinical testing. Allele origin: germline.
Comment: This sequence change replaces leucine, which is neutral and non-polar, with proline, which is neutral and non-polar, at codon 1344 of the POLE protein (p.Leu1344Pro). This variant is not present in population databases (gnomAD no frequency). This variant has not been reported in the literature in individuals affected with POLE-related conditions. ClinVar contains an entry for this variant (Variation ID: 405826). Invitae Evidence Modeling of protein sequence and biophysical properties (such as structural, functional, and spatial information, amino acid conservation, physicochemical variation, residue mobility, and thermodynamic stability) indicates that this missense variant is not expected to disrupt POLE protein function with a negative predictive value of 80%. In summary, the available evidence is currently insufficient to determine the role of this variant in disease. Therefore, it has been classified as a Variant of Uncertain Significance.

Ambry Genetics
Classification: Uncertain significance for Hereditary cancer-predisposing syndrome. Last evaluated: 2023-12-29. Review status: criteria provided, single submitter. Criteria: Ambry Variant Classification Scheme 2023. Collection method: clinical testing. Allele origin: germline.
Comment: The p.L1344P variant (also known as c.4031T>C), located in coding exon 32 of the POLE gene, results from a T to C substitution at nucleotide position 4031. The leucine at codon 1344 is replaced by proline, an amino acid with similar properties. This amino acid position is conserved. In addition, the in silico prediction for this alteration is inconclusive. Since supporting evidence is limited at this time, the clinical significance of this alteration remains unclear.

Department of Pathology and Laboratory Medicine, Sinai Health System
Classification: Uncertain significance for Colorectal cancer, susceptibility to, 12; Facial dysmorphism-immunodeficiency-livedo-short stature syndrome; Intrauterine growth retardation, metaphyseal dysplasia, adrenal hypoplasia congenita, genital anomalies, and immunodeficiency. Last evaluated: 2020-06-29. Review status: criteria provided, single submitter. Criteria: ACMG Guidelines, 2015. Collection method: research. Allele origin: germline.